The following is an entry in ClinVar:

ClinVar aggregate classification (germline): Benign (1 of 4 stars; one submission).

Allele frequency attached by ClinVar (database versions not stated): 1000 Genomes Project 30x 0.98751; 1000 Genomes Project 0.98842; TOPMed 0.99001; gnomAD 0.99080 and 0.99140.
gnomAD v4.1: 151,031 of 152,338 alleles (99%); highest among the groups gnomAD compares: East Asian, 100%; 74,883 homozygotes.

Submission:

GeneDx
Classification: Benign. Last evaluated: 2018-06-14. Review status: criteria provided, single submitter. Criteria: GeneDx Variant Classification (06012015). Collection method: clinical testing. Allele origin: germline. Affected: yes.
Comment: This variant is considered likely benign or benign based on one or more of the following criteria: it is a conservative change, it occurs at a poorly conserved position in the protein, it is predicted to be benign by multiple in silico algorithms, and/or has population frequency not consistent with disease.

NM_001136193.2(FASTKD2):c.1254+320G>A

Gene: FASTKD2 (FAST kinase domains 2; plus strand). Cytogenetic location: 2q33.3.
Variant type: single nucleotide variant.
Coding change: c.1254+320G>A on transcript NM_001136193.2 (MANE Select); 320 bases into the intron after coding-DNA position 1254, G replaced by A.
Molecular consequence: intron variant.
Genome position (GRCh38, 1-based): chr2:206,772,640, G>A. VCF-style: chr2-206772640-G-A. GRCh37 (hg19) VCF-style: chr2-207637364-G-A.
Other names: c.1254+320G>A (NM_001136194.2, NM_014929.4).
Identifiers: ClinVar variation 683905 (VCV000683905.1), dbSNP rs10201220, ClinGen allele CA63715830.